The following is an entry in ClinVar:

ClinVar aggregate classification (germline): Pathogenic (1 of 4 stars; one submission).

Conditions:
Short stature-pituitary and cerebellar defects-small sella turcica syndrome (CPHD4). Also called: Pituitary hormone deficiency, combined with or without cerebellar defects; Short stature, pituitary and cerebellar defects and small sella turcica. Identifiers: Orphanet 85442, MedGen C2678408, MONDO:0009880, OMIM 262700.

Allele frequency attached by ClinVar (database versions not stated): gnomAD 0.00001; TOPMed 0.00001.
gnomAD v4.1: 5 of 1,614,112 alleles (0.00031%); highest among the groups gnomAD compares: Non-Finnish European, 0.00042%; no homozygotes.

Submission:

Laboratory for Molecular Medicine, Mass General Brigham Personalized Medicine
Classification: Pathogenic for Pituitary hormone deficiency, combined, 4. Last evaluated: 2014-01-27. Review status: criteria provided, single submitter. Criteria: LMM Criteria. Collection method: clinical testing. Allele origin: germline. Inheritance: Autosomal dominant inheritance. Observed: 1 variant allele. Study: CSER-MedSeq.
Comment: The c.452-2A>C variant in LHX4 has not been reported in individuals with combined pituitary hormone deficiency (CPHD) or in large population studies. This variant occurs in the invariant region (+/- 1,2) of the splice consensus sequence and is predicted to cause altered splicing leading to an abnormal or absent protein. Loss of function variants in the heterozygous state, and in particular splice variants, have been reported in individuals with CPHD (reviewed by Tajima et al., 2013). In summary, this variant meets our criteria to be classified as pathogenic.

Literature cited by the submitters: PubMed 23990694.

NM_033343.4(LHX4):c.452-2A>C

Genes: ACBD6 (acyl-CoA binding domain containing 6; minus strand), LHX4-AS1 (LHX4 antisense RNA 1; minus strand), LHX4 (LIM homeobox 4; plus strand). Cytogenetic location: 1q25.2.
Variant type: single nucleotide variant.
Coding change: c.452-2A>C on transcript NM_033343.4 (MANE Select); the canonical splice acceptor site of the intron before coding-DNA position 452, A replaced by C.
Molecular consequence: splice acceptor variant. On other transcripts: non-coding transcript variant (1).
Genome position (GRCh38, 1-based): chr1:180,271,378, A>C. VCF-style: chr1-180271378-A-C. GRCh37 (hg19) VCF-style: chr1-180240513-A-C.
Identifiers: ClinVar variation 189234 (VCV000189234.4), dbSNP rs786204780, ClinGen allele CA251219.